The following is an entry in ClinVar:

NM_014639.4(SKIC3):c.589C>T (p.Pro197Ser)

Gene: SKIC3 (SKI3 subunit of superkiller complex; minus strand). Cytogenetic location: 5q15.
Variant type: single nucleotide variant.
Coding change: c.589C>T on transcript NM_014639.4 (MANE Select); coding-DNA position 589, C replaced by T.
Protein change: p.Pro197Ser; replaces proline 197 with serine.
Molecular consequence: missense variant.
Genome position (GRCh38, 1-based): chr5:95,537,096, G>A on the plus strand (C>T on the coding strand, the complement: SKIC3 is on the minus strand). VCF-style: chr5-95537096-G-A. GRCh37 (hg19) VCF-style: chr5-94872800-G-A.
Other names: short protein forms P197S.
Identifiers: ClinVar variation 1494024 (VCV001494024.3), dbSNP rs1292362482, ClinGen allele CA360441901.

ClinVar aggregate classification (germline): Uncertain significance (1 of 4 stars; one submission).

Allele frequency attached by ClinVar (database versions not stated): gnomAD 0.00001.
gnomAD v4.1: 4 of 1,613,420 alleles (0.00025%); highest among the groups gnomAD compares: Non-Finnish European, 0.00025%; no homozygotes.

Submission:

Labcorp Genetics (formerly Invitae), Labcorp
Classification: Uncertain significance. Last evaluated: 2021-09-07. Review status: criteria provided, single submitter. Criteria: Invitae Variant Classification Sherloc (09022015). Collection method: clinical testing. Allele origin: germline.
Comment: This sequence change replaces proline with serine at codon 197 of the TTC37 protein (p.Pro197Ser). The proline residue is moderately conserved and there is a moderate physicochemical difference between proline and serine. This variant is not present in population databases (ExAC no frequency). This variant has not been reported in the literature in individuals affected with TTC37-related conditions. Algorithms developed to predict the effect of missense changes on protein structure and function are either unavailable or do not agree on the potential impact of this missense change (SIFT: "Tolerated"; PolyPhen-2: "Possibly Damaging"; Align-GVGD: "Class C0"). In summary, the available evidence is currently insufficient to determine the role of this variant in disease. Therefore, it has been classified as a Variant of Uncertain Significance.